The following is an entry in ClinVar:

ClinVar aggregate classification (germline): Uncertain significance (1 of 4 stars; one submission).

Submission:

Labcorp Genetics (formerly Invitae), Labcorp
Classification: Uncertain significance. Last evaluated: 2020-02-17. Review status: criteria provided, single submitter. Criteria: Invitae Variant Classification Sherloc (09022015). Collection method: clinical testing. Allele origin: germline.
Comment: This variant results in a copy number gain of the genomic region encompassing the full coding sequence of the SLC25A12 gene. The boundaries of this event are unknown as they extend beyond the assayed region for this gene and therefore may encompass additional genes. As the precise location of this event is unknown, it may be in tandem or it may be located elsewhere in the genome. This variant has not been reported in the literature in individuals with SLC25A12-related conditions. In summary, the available evidence is currently insufficient to determine the role of this variant in disease. Therefore, it has been classified as a Variant of Uncertain Significance.

NC_000002.11:g.(?_172291068)_(172750744_?)dup

Genes: CYBRD1 (cytochrome b reductase 1; plus strand), DCAF17 (DDB1 and CUL4 associated factor 17; plus strand), DYNC1I2 (dynein cytoplasmic 1 intermediate chain 2; plus strand), METTL8 (methyltransferase 8, tRNA N3-cytidine; minus strand), SLC25A12 (solute carrier family 25 member 12; minus strand). Cytogenetic location: 2q31.1.
Variant type: Duplication.
Identifiers: ClinVar variation 1010962 (VCV001010962.1).